The following is an entry in ClinVar:

NM_000093.5(COL5A1):c.82C>A (p.Leu28Met)

Gene: COL5A1 (collagen type V alpha 1 chain; plus strand). Cytogenetic location: 9q34.3.
Variant type: single nucleotide variant.
Coding change: c.82C>A on transcript NM_000093.5 (MANE Select); coding-DNA position 82, C replaced by A.
Protein change: p.Leu28Met; replaces leucine 28 with methionine.
Molecular consequence: missense variant.
Genome position (GRCh38, 1-based): chr9:134,642,269, C>A. VCF-style: chr9-134642269-C-A. GRCh37 (hg19) VCF-style: chr9-137534115-C-A.
Other names: c.82C>A, p.Leu28Met (NM_001278074.1); short protein forms L28M.
Identifiers: ClinVar variation 519630 (VCV000519630.18), dbSNP rs1312200383, ClinGen allele CA375443987.

ClinVar aggregate classification (germline): Conflicting classifications of pathogenicity. Review status: criteria provided, conflicting classifications (1 of 4 stars). 4 submissions from 4 submitters: Uncertain significance (3); Benign (1). Last evaluated 2026-08-10.

Conditions:
Familial thoracic aortic aneurysm and aortic dissection (TAAD). Also called: Thoracic aortic aneurysms and dissections. Identifiers: Orphanet 91387, MedGen C4707243, MONDO:0019625.
Ehlers-Danlos syndrome, classic type, 1 (EDSCL1). Also called: EDS I; EHLERS-DANLOS SYNDROME, GRAVIS TYPE; Ehlers-Danlos syndrome, type 1; Ehlers-Danlos Syndrome, Classic Type, COL5A1-Related; EHLERS-DANLOS SYNDROME, SEVERE CLASSIC TYPE. Identifiers: MedGen C0268335, MONDO:0019567, OMIM 130000.

Allele frequency attached by ClinVar (database versions not stated): gnomAD 0.00001; TOPMed 0.00001.
gnomAD v4.1: 7 of 1,181,892 alleles (0.00059%); highest among the groups gnomAD compares: Non-Finnish European, 0.00074%; no homozygotes.

Submissions (4):

GeneDx
Classification: Uncertain significance. Last evaluated: 2026-08-10. Review status: criteria provided, single submitter. Criteria: GeneDx Variant Classification Process June 2021. Collection method: clinical testing. Allele origin: germline.
Comment: Has not been previously published as pathogenic or benign to our knowledge; Not observed at significant frequency in large population cohorts (gnomAD); In silico analysis suggests that this missense variant does not alter protein structure/function; Not located in the triple helical region, where the majority of pathogenic missense variants occur (PMID: 22696272; HGMD); This variant is associated with the following publications: (PMID: 22696272)

Labcorp Genetics (formerly Invitae), Labcorp
Classification: Benign for Ehlers-Danlos syndrome, classic type, 1. Last evaluated: 2025-12-17. Review status: criteria provided, single submitter. Criteria: Invitae Variant Classification Sherloc (09022015). Collection method: clinical testing. Allele origin: germline.

Ambry Genetics
Classification: Uncertain significance for Familial thoracic aortic aneurysm and aortic dissection. Last evaluated: 2025-09-12. Review status: criteria provided, single submitter. Criteria: Ambry Variant Classification Scheme 2023. Collection method: clinical testing. Allele origin: germline.
Comment: The p.L28M variant (also known as c.82C>A), located in coding exon 1 of the COL5A1 gene, results from a C to A substitution at nucleotide position 82. The leucine at codon 28 is replaced by methionine, an amino acid with highly similar properties. This amino acid position is highly conserved on limited sequence alignment. In addition, the in silico prediction for this alteration is inconclusive. Since supporting evidence is limited at this time, the clinical significance of this variant remains unclear.

Blueprint Genetics
Classification: Uncertain significance. Last evaluated: 2019-04-01. Review status: criteria provided, single submitter. Criteria: ACMG Guidelines, 2015. Collection method: clinical testing. Allele origin: germline.